The following is an entry in ClinVar:

ClinVar aggregate classification (germline): Uncertain significance (1 of 4 stars; one submission).

Allele frequency attached by ClinVar (database versions not stated): gnomAD 0.00001; gnomAD exomes 0.00001; TOPMed 0.00002.
gnomAD v4.1: 16 of 1,608,574 alleles (0.00099%); highest among the groups gnomAD compares: Admixed American, 0.0083%; no homozygotes.

Submission:

Labcorp Genetics (formerly Invitae), Labcorp
Classification: Uncertain significance. Last evaluated: 2022-10-03. Review status: criteria provided, single submitter. Criteria: Invitae Variant Classification Sherloc (09022015). Collection method: clinical testing. Allele origin: germline.
Comment: This sequence change affects codon 337 of the LSS mRNA. It is a 'silent' change, meaning that it does not change the encoded amino acid sequence of the LSS protein. This variant also falls at the last nucleotide of exon 9, which is part of the consensus splice site for this exon. The frequency data for this variant in the population databases is considered unreliable, as metrics indicate poor data quality at this position in the gnomAD database. This variant has not been reported in the literature in individuals affected with LSS-related conditions. Variants that disrupt the consensus splice site are a relatively common cause of aberrant splicing (PMID: 17576681, 9536098). Algorithms developed to predict the effect of sequence changes on RNA splicing suggest that this variant may create or strengthen a splice site. In summary, the available evidence is currently insufficient to determine the role of this variant in disease. Therefore, it has been classified as a Variant of Uncertain Significance.

Literature cited by the submitters: PubMed 17576681; PubMed 9536098.

NM_002340.6(LSS):c.1011G>A (p.Pro337=)

Gene: LSS (lanosterol synthase; minus strand). Cytogenetic location: 21q22.3.
Variant type: single nucleotide variant.
Coding change: c.1011G>A on transcript NM_002340.6 (MANE Select); coding-DNA position 1011, G replaced by A.
Protein change: p.Pro337=; no amino-acid change (proline 337 retained).
Molecular consequence: synonymous variant.
Genome position (GRCh38, 1-based): chr21:46,215,180, C>T on the plus strand (G>A on the coding strand, the complement: LSS is on the minus strand). VCF-style: chr21-46215180-C-T. GRCh37 (hg19) VCF-style: chr21-47635094-C-T.
Other names: c.1011G>A, p.Pro337= (NM_001001438.3); c.978G>A, p.Pro326= (NM_001145436.2); c.771G>A, p.Pro257= (NM_001145437.2).
Identifiers: ClinVar variation 2180501 (VCV002180501.1), dbSNP rs759946114, ClinGen allele CA10075235.